The following is an entry in ClinVar:

NM_020738.4(KIDINS220):c.3845A>G (p.His1282Arg)

Gene: KIDINS220 (kinase D interacting substrate 220; minus strand). Cytogenetic location: 2p25.1.
Variant type: single nucleotide variant.
Coding change: c.3845A>G on transcript NM_020738.4 (MANE Select); coding-DNA position 3845, A replaced by G.
Protein change: p.His1282Arg; replaces histidine 1282 with arginine.
Molecular consequence: missense variant. On other transcripts: non-coding transcript variant (2).
Genome position (GRCh38, 1-based): chr2:8,733,652, T>C on the plus strand (A>G on the coding strand, the complement: KIDINS220 is on the minus strand). VCF-style: chr2-8733652-T-C. GRCh37 (hg19) VCF-style: chr2-8873782-T-C.
Other names: c.3848A>G, p.His1283Arg (NM_001348729.2); c.3791A>G, p.His1264Arg (NM_001348731.2); c.3788A>G, p.His1263Arg (NM_001348732.2, NM_001348738.2); c.3677A>G, p.His1226Arg (NM_001348734.2, NM_001348739.2, NM_001348740.2); c.3674A>G, p.His1225Arg (NM_001348735.2, NM_001348741.2, NM_001348742.2 and 1 more transcripts); c.3548A>G, p.His1183Arg (NM_001348736.2); short protein forms H1225R, H1263R, H1264R, H1282R, H1283R, H1183R, H1226R.
Identifiers: ClinVar variation 1952666 (VCV001952666.5), dbSNP rs745429677, ClinGen allele CA1519497.

ClinVar aggregate classification (germline): Uncertain significance (1 of 4 stars; one submission).

Allele frequency attached by ClinVar (database versions not stated): gnomAD exomes below 0.00001; ExAC 0.00001.
gnomAD v4.1: 1 of 1,589,842 alleles (0.000063%); highest among the groups gnomAD compares: Non-Finnish European, 0.000086%; no homozygotes.

Submission:

Labcorp Genetics (formerly Invitae), Labcorp
Classification: Uncertain significance. Last evaluated: 2022-09-25. Review status: criteria provided, single submitter. Criteria: Invitae Variant Classification Sherloc (09022015). Collection method: clinical testing. Allele origin: germline.
Comment: In summary, the available evidence is currently insufficient to determine the role of this variant in disease. Therefore, it has been classified as a Variant of Uncertain Significance. Algorithms developed to predict the effect of missense changes on protein structure and function (SIFT, PolyPhen-2, Align-GVGD) all suggest that this variant is likely to be tolerated. This sequence change replaces histidine, which is basic and polar, with arginine, which is basic and polar, at codon 1282 of the KIDINS220 protein (p.His1282Arg). This variant is present in population databases (rs745429677, gnomAD 0.002%). This variant has not been reported in the literature in individuals affected with KIDINS220-related conditions.